The following is an entry in ClinVar:

NM_022436.3(ABCG5):c.642G>A (p.Met214Ile)

Genes: ABCG5 (ATP binding cassette subfamily G member 5; minus strand), DYNC2LI1 (dynein cytoplasmic 2 light intermediate chain 1; plus strand). Cytogenetic location: 2p21.
Variant type: single nucleotide variant.
Coding change: c.642G>A on transcript NM_022436.3 (MANE Select); coding-DNA position 642, G replaced by A.
Protein change: p.Met214Ile; replaces methionine 214 with isoleucine.
Molecular consequence: missense variant. On other transcripts: intron variant (2).
Genome position (GRCh38, 1-based): chr2:43,826,514, C>T on the plus strand (G>A on the coding strand, the complement: ABCG5 is on the minus strand). VCF-style: chr2-43826514-C-T. GRCh37 (hg19) VCF-style: chr2-44053653-C-T.
Other names: c.*16-872C>T (NM_001348913.2, NM_001348912.2); short protein forms M214I.
Identifiers: ClinVar variation 1410347 (VCV001410347.9), dbSNP rs1369776473, ClinGen allele CA346666738.

ClinVar aggregate classification (germline): Uncertain significance. Review status: criteria provided, multiple submitters, no conflicts (2 of 4 stars). 2 submissions from 2 submitters: Uncertain significance (2). Last evaluated 2022-12-25.

Conditions:
Cardiovascular phenotype. Identifiers: MedGen CN230736.
Sitosterolemia (STSL). Also called: PHYTOSTEROLEMIA. Identifiers: Orphanet 2882, MedGen C0342907, MONDO:0008863.

Allele frequency attached by ClinVar (database versions not stated): gnomAD exomes below 0.00001; TOPMed 0.00001; gnomAD 0.00001.
gnomAD v4.1: 3 of 1,614,092 alleles (0.00019%); highest among the groups gnomAD compares: East Asian, 0.0022%; no homozygotes.

Submissions (2):

Ambry Genetics
Classification: Uncertain significance for Cardiovascular phenotype. Last evaluated: 2022-12-25. Review status: criteria provided, single submitter. Criteria: Ambry Variant Classification Scheme 2023. Collection method: clinical testing. Allele origin: germline.
Comment: The p.M214I variant (also known as c.642G>A), located in coding exon 6 of the ABCG5 gene, results from a G to A substitution at nucleotide position 642. The methionine at codon 214 is replaced by isoleucine, an amino acid with highly similar properties. This amino acid position is conserved. In addition, this alteration is predicted to be tolerated by in silico analysis. Since supporting evidence is limited at this time, the clinical significance of this alteration remains unclear.

Labcorp Genetics (formerly Invitae), Labcorp
Classification: Uncertain significance for Sitosterolemia. Last evaluated: 2020-11-17. Review status: criteria provided, single submitter. Criteria: Invitae Variant Classification Sherloc (09022015). Collection method: clinical testing. Allele origin: germline.
Comment: In summary, the available evidence is currently insufficient to determine the role of this variant in disease. Therefore, it has been classified as a Variant of Uncertain Significance. Algorithms developed to predict the effect of missense changes on protein structure and function (SIFT, PolyPhen-2, Align-GVGD) all suggest that this variant is likely to be tolerated, but these predictions have not been confirmed by published functional studies and their clinical significance is uncertain. This variant has not been reported in the literature in individuals with ABCG5-related conditions. This variant is not present in population databases (ExAC no frequency). This sequence change replaces methionine with isoleucine at codon 214 of the ABCG5 protein (p.Met214Ile). The methionine residue is highly conserved and there is a small physicochemical difference between methionine and isoleucine.